The following is an entry in ClinVar:

ClinVar aggregate classification (germline): Likely benign (1 of 4 stars; one submission).

Allele frequency attached by ClinVar (database versions not stated): gnomAD 0.00003 and 0.00141; TOPMed 0.00026; gnomAD exomes 0.00232 and 0.00508; ExAC 0.00659; 1000 Genomes Project 30x 0.01062; 1000 Genomes Project 0.01078.
gnomAD v4.1: 3,570 of 1,592,486 alleles (0.22%); highest among the groups gnomAD compares: South Asian, 3.7%; 108 homozygotes.

Submission:

GeneDx
Classification: Likely benign. Last evaluated: 2018-06-19. Review status: criteria provided, single submitter. Criteria: GeneDx Variant Classification (06012015). Collection method: clinical testing. Allele origin: germline. Affected: yes.
Comment: This variant is considered likely benign or benign based on one or more of the following criteria: it is a conservative change, it occurs at a poorly conserved position in the protein, it is predicted to be benign by multiple in silico algorithms, and/or has population frequency not consistent with disease.

NM_000387.6(SLC25A20):c.844-34G>T

Gene: SLC25A20 (solute carrier family 25 member 20; minus strand). Cytogenetic location: 3p21.31.
Variant type: single nucleotide variant.
Coding change: c.844-34G>T on transcript NM_000387.6 (MANE Select); 34 bases into the intron before coding-DNA position 844, G replaced by T.
Molecular consequence: intron variant.
Genome position (GRCh38, 1-based): chr3:48,857,806, C>A on the plus strand (G>T on the coding strand, the complement: SLC25A20 is on the minus strand). VCF-style: chr3-48857806-C-A. GRCh37 (hg19) VCF-style: chr3-48895239-C-A.
Identifiers: ClinVar variation 676199 (VCV000676199.1), dbSNP rs375410820, ClinGen allele CA2387266.